The following is an entry in ClinVar:

ClinVar aggregate classification (germline): Uncertain significance (1 of 4 stars; one submission).

Conditions:
Duchenne muscular dystrophy (DMD). Also called: MUSCULAR DYSTROPHY, PSEUDOHYPERTROPHIC PROGRESSIVE, DUCHENNE TYPE; Duchenne Muscular Dystrophy (DMD). Identifiers: Orphanet 98896, MedGen C0013264, MONDO:0010679, OMIM 310200.

Allele frequency attached by ClinVar (database versions not stated): gnomAD exomes below 0.00001; TOPMed below 0.00001; gnomAD 0.00005.
gnomAD v4.1: 1 of 1,209,765 alleles (0.000083%); highest among the groups gnomAD compares: Non-Finnish European, 0.00011%; no homozygotes.

Submission:

Labcorp Genetics (formerly Invitae), Labcorp
Classification: Uncertain significance for Duchenne muscular dystrophy. Last evaluated: 2025-11-20. Review status: criteria provided, single submitter. Criteria: Invitae Variant Classification Sherloc (09022015). Collection method: clinical testing. Allele origin: germline.
Comment: This sequence change falls in intron 45 of the DMD gene. It does not directly change the encoded amino acid sequence of the DMD protein. It affects a nucleotide within the consensus splice site. This variant is present in population databases (no rsID available, gnomAD 0.009%). This variant has not been reported in the literature in individuals affected with DMD-related conditions. ClinVar contains an entry for this variant (Variation ID: 2193738). Variants that disrupt the consensus splice site are a relatively common cause of aberrant splicing (PMID: 17576681, 9536098). Algorithms developed to predict the effect of sequence changes on RNA splicing suggest that this variant is not likely to affect RNA splicing. In summary, the available evidence is currently insufficient to determine the role of this variant in disease. Therefore, it has been classified as a Variant of Uncertain Significance.

Literature cited by the submitters: PubMed 17576681; PubMed 9536098.

NM_004006.3(DMD):c.6614+5G>A

Gene: DMD (dystrophin; minus strand). Cytogenetic location: Xp21.1.
Variant type: single nucleotide variant.
Coding change: c.6614+5G>A on transcript NM_004006.3 (MANE Select); 5 bases into the intron after coding-DNA position 6614, G replaced by A.
Molecular consequence: intron variant.
Genome position (GRCh38, 1-based): chrX:31,968,334, C>T on the plus strand (G>A on the coding strand, the complement: DMD is on the minus strand). VCF-style: chrX-31968334-C-T. GRCh37 (hg19) VCF-style: chrX-31986451-C-T.
Other names: c.6590+5G>A (NM_000109.4); c.2591+5G>A (NM_004011.4); c.2582+5G>A (NM_004012.4); c.-767+5G>A (NM_004023.3, NM_004020.4, NM_004022.3 and 2 more transcripts); c.6602+5G>A (NM_004009.3); c.6245+5G>A (NM_004010.3).
Identifiers: ClinVar variation 2193738 (VCV002193738.4), dbSNP rs1286238077, ClinGen allele CA641365361.